The following is an entry in ClinVar:

NM_024529.5(CDC73):c.28C>T (p.Gln10Ter)

Gene: CDC73 (cell division cycle 73; plus strand). Cytogenetic location: 1q31.2.
Variant type: single nucleotide variant.
Coding change: c.28C>T on transcript NM_024529.5 (MANE Select); coding-DNA position 28, C replaced by T.
Protein change: p.Gln10Ter; replaces glutamine 10 with a stop codon.
Molecular consequence: nonsense.
Genome position (GRCh38, 1-based): chr1:193,122,228, C>T. VCF-style: chr1-193122228-C-T. GRCh37 (hg19) VCF-style: chr1-193091358-C-T.
Other names: short protein forms Q10*.
Identifiers: ClinVar variation 2702399 (VCV002702399.3), dbSNP rs2103111608, ClinGen allele CA343972777.

ClinVar aggregate classification (germline): Pathogenic (1 of 4 stars; one submission).

Conditions:
Parathyroid carcinoma (PRTC). Also called: Parathyroid gland carcinoma; CDC73-Related Parathyroid Carcinoma. Identifiers: Orphanet 143, MedGen C0687150, MONDO:0012004, OMIM 608266, HP:0006780.

Submission:

Labcorp Genetics (formerly Invitae), Labcorp
Classification: Pathogenic for Parathyroid carcinoma. Last evaluated: 2023-12-12. Review status: criteria provided, single submitter. Criteria: Invitae Variant Classification Sherloc (09022015). Collection method: clinical testing. Allele origin: germline.
Comment: This sequence change creates a premature translational stop signal (p.Gln10*) in the CDC73 gene. It is expected to result in an absent or disrupted protein product. Loss-of-function variants in CDC73 are known to be pathogenic (PMID: 12434154). This variant is not present in population databases (gnomAD no frequency). This variant has not been reported in the literature in individuals affected with CDC73-related conditions. For these reasons, this variant has been classified as Pathogenic.

Literature cited by the submitters: PubMed 12434154.